The following is an entry in ClinVar:

NM_020433.5(JPH2):c.250G>A (p.Gly84Ser)

Gene: JPH2 (junctophilin 2; minus strand). Cytogenetic location: 20q13.12.
Variant type: single nucleotide variant.
Coding change: c.250G>A on transcript NM_020433.5 (MANE Select); coding-DNA position 250, G replaced by A.
Protein change: p.Gly84Ser; replaces glycine 84 with serine.
Molecular consequence: missense variant.
Genome position (GRCh38, 1-based): chr20:44,186,456, C>T on the plus strand (G>A on the coding strand, the complement: JPH2 is on the minus strand). VCF-style: chr20-44186456-C-T. GRCh37 (hg19) VCF-style: chr20-42815096-C-T.
Other names: c.250G>A, p.Gly84Ser (NM_175913.4); short protein forms G84S.
Identifiers: ClinVar variation 3531512 (VCV003531512.1).

ClinVar aggregate classification (germline): Uncertain significance (1 of 4 stars; one submission).

Conditions:
Cardiovascular phenotype. Identifiers: MedGen CN230736.

Submission:

Ambry Genetics
Classification: Uncertain significance for Cardiovascular phenotype. Last evaluated: 2024-11-17. Review status: criteria provided, single submitter. Criteria: Ambry Variant Classification Scheme 2023. Collection method: clinical testing. Allele origin: germline.
Comment: The p.G84S variant (also known as c.250G>A), located in coding exon 1 of the JPH2 gene, results from a G to A substitution at nucleotide position 250. The glycine at codon 84 is replaced by serine, an amino acid with similar properties. This amino acid position is conserved. In addition, this alteration is predicted to be deleterious by in silico analysis. Based on the available evidence, the clinical significance of this variant remains unclear.